The following is an entry in ClinVar:

NM_001040458.3(ERAP1):c.1068T>C (p.Ala356=)

Gene: ERAP1 (endoplasmic reticulum aminopeptidase 1; minus strand). Cytogenetic location: 5q15.
Variant type: single nucleotide variant.
Coding change: c.1068T>C on transcript NM_001040458.3 (MANE Select); coding-DNA position 1068, T replaced by C.
Protein change: p.Ala356=; no amino-acid change (alanine 356 retained).
Molecular consequence: synonymous variant.
Genome position (GRCh38, 1-based): chr5:96,793,809, A>G on the plus strand (T>C on the coding strand, the complement: ERAP1 is on the minus strand). VCF-style: chr5-96793809-A-G. GRCh37 (hg19) VCF-style: chr5-96129512-A-G.
Other names: c.1068T>C, p.Ala356= (NM_001198541.3, NM_001349244.2, NM_016442.5).
Identifiers: ClinVar variation 1287401 (VCV001287401.3), dbSNP rs27434, ClinGen allele CA3352377.

ClinVar aggregate classification (germline): Benign. Review status: criteria provided, multiple submitters, no conflicts (2 of 4 stars). 2 submissions from 2 submitters: Benign (2). Last evaluated 2024-01-24.

Allele frequency attached by ClinVar (database versions not stated): 1000 Genomes Project 30x 0.65006; 1000 Genomes Project 0.65076; TOPMed 0.69886; gnomAD 0.71215 and 0.71278; ESP Exome Variant Server 0.71967.
gnomAD v4.1: 1,219,712 of 1,610,604 alleles (76%); highest among the groups gnomAD compares: Non-Finnish European, 79%; 466,017 homozygotes.

Submissions (2):

Unidad de Genómica Garrahan, Hospital de Pediatría Garrahan
Classification: Benign. Last evaluated: 2024-01-24. Review status: criteria provided, single submitter. Criteria: ACMG Guidelines, 2015. Collection method: clinical testing. Allele origin: germline. Affected: no. Observed: 76 variant alleles.
Comment: This variant is classified as Benign based on local population frequency. This variant was detected in 86% of patients studied by a panel of primary immunodeficiencies. Number of patients: 76. Only high quality variants are reported.

GeneDx
Classification: Benign. Last evaluated: 2021-02-16. Review status: criteria provided, single submitter. Criteria: GeneDx Variant Classification Process June 2021. Collection method: clinical testing. Allele origin: germline. Affected: yes.
Comment: This variant is associated with the following publications: (PMID: 23818875, 19692350, 30272298, 20062062)